The following is an entry in ClinVar:

ClinVar aggregate classification (germline): Uncertain significance (1 of 4 stars; one submission).

Submission:

CeGaT Center for Human Genetics Tuebingen
Classification: Uncertain significance. Last evaluated: 2026-02-01. Review status: criteria provided, single submitter. Criteria: CeGaT Center For Human Genetics Tuebingen Variant Classification Criteria Version 2. Collection method: clinical testing. Allele origin: germline. Affected: yes. Observed: 2 variant alleles.
Comment: TTN: PVS1:Supporting

NM_001267550.2(TTN):c.11312-5205_11312-5204del

Gene: TTN (titin; minus strand). Cytogenetic location: 2q31.2.
Variant type: Microsatellite.
Coding change: c.11312-5205_11312-5204del on transcript NM_001267550.2 (MANE Select); 5205 bases into the intron before coding-DNA position 11312 through 5204 bases into the intron before coding-DNA position 11312, 2 bases deleted (CT; older notation c.11312-5205_11312-5204delCT).
Molecular consequence: intron variant. On other transcripts: frameshift variant (1).
Genome position (GRCh38, 1-based): chr2:178,747,125-178,747,126, AG deleted on the plus strand (CT on the coding strand, the reverse complement: TTN is on the minus strand); deleting any 2 consecutive bases within chr2:178,747,125-178,747,128 gives the same sequence; the c. name uses the placement nearest the transcript's 3' end. VCF-style (leftmost placement, unchanged base first): chr2-178747124-CAG-C. GRCh37 (hg19) VCF-style: chr2-179611851-CAG-C.
Other names: c.15274_15275del, p.Leu5092fs (NM_133379.5); c.10223-5205_10223-5204del (NM_003319.4); c.10799-5205_10799-5204del (NM_133437.4); c.10598-5205_10598-5204del (NM_133432.3); c.10360+5998_10360+5999del (NM_133378.4); c.10361-5205_10361-5204del (NM_001256850.1); short protein forms L5092fs.
Identifiers: ClinVar variation 3341816 (VCV003341816.16).